The following is an entry in ClinVar:

ClinVar aggregate classification (germline): Conflicting classifications of pathogenicity. Review status: criteria provided, conflicting classifications (1 of 4 stars). 3 submissions from 3 submitters: Uncertain significance (2); Likely benign (1). Last evaluated 2024-10-30.

Conditions:
Myoclonic epilepsy, juvenile, susceptibility to, 1. Also called: Myoclonic Epilepsy, Juvenile, 1; EJM1. Identifiers: MedGen C1850778, MONDO:0020752, OMIM 254770.
Absence seizure. Also called: Absence epilepsy. Identifiers: Orphanet 1941, MedGen C0014553.
Juvenile myoclonic epilepsy (EJM). Also called: JANZ SYNDROME; PETIT MAL, IMPULSIVE. Identifiers: Orphanet 307, MedGen C0270853, MONDO:0009696.

Allele frequency attached by ClinVar (database versions not stated): gnomAD 0.00004 and 0.00005; TOPMed 0.00006; gnomAD exomes 0.00008 and 0.00009; ExAC 0.00012; ESP Exome Variant Server 0.00015.
gnomAD v4.1: 149 of 1,613,958 alleles (0.0092%); highest among the groups gnomAD compares: Non-Finnish European, 0.011%; no homozygotes.

Submissions (3):

Labcorp Genetics (formerly Invitae), Labcorp
Classification: Likely benign for Myoclonic epilepsy, juvenile, susceptibility to, 1; Absence seizure. Last evaluated: 2024-10-30. Review status: criteria provided, single submitter. Criteria: Invitae Variant Classification Sherloc (09022015). Collection method: clinical testing. Allele origin: germline.

Fulgent Genetics
Classification: Uncertain significance for Myoclonic epilepsy, juvenile, susceptibility to, 1; Epilepsy, juvenile absence, susceptibility to, 1. Last evaluated: 2018-10-31. Review status: criteria provided, single submitter. Criteria: ACMG Guidelines, 2015. Collection method: clinical testing. Allele origin: unknown.

GeneDx
Classification: Uncertain significance. Last evaluated: 2014-09-29. Review status: criteria provided, single submitter. Criteria: GeneDx Variant Classification (06012015). Collection method: clinical testing. Allele origin: germline. Affected: yes.
Comment: The R51W variant has not been published as a mutation, nor has it been reported as a benign polymorphism to our knowledge. The R51W variant was not observed with any significant frequency in approximately 6,500 individuals of European and African American ancestry in the NHLBI Exome Sequencing Project. This variant is a non-conservative amino acid substitution, which is likely to impact secondary protein structure as these residues differ in polarity, charge, size and/or other properties. However, this substitution occurs at a position that is not conserved across species, and in silico analysis is inconsistent in its predictions as to whether or not the variant is damaging to the protein structure/function. The variant is found in EPILEPSY panel(s).

NM_018100.4(EFHC1):c.151C>T (p.Arg51Trp)

Gene: EFHC1 (EF-hand domain containing 1; plus strand). Cytogenetic location: 6p12.2.
Variant type: single nucleotide variant.
Coding change: c.151C>T on transcript NM_018100.4 (MANE Select); coding-DNA position 151, C replaced by T.
Protein change: p.Arg51Trp; replaces arginine 51 with tryptophan.
Molecular consequence: missense variant. On other transcripts: non-coding transcript variant (1).
Genome position (GRCh38, 1-based): chr6:52,424,033, C>T. VCF-style: chr6-52424033-C-T. GRCh37 (hg19) VCF-style: chr6-52288831-C-T.
Other names: p.R51W:CGG>TGG; c.94C>T, p.Arg32Trp (NM_001172420.2); short protein forms R51W, R32W.
Identifiers: ClinVar variation 205398 (VCV000205398.14), dbSNP rs374661645, ClinGen allele CA314432.